The following is an entry in ClinVar:

ClinVar aggregate classification (germline): Uncertain significance (1 of 4 stars; one submission).

Conditions:
Nemaline myopathy 8 (NEM8). Also called: Nemaline myopathy 8, autosomal recessive. Identifiers: Orphanet 171430, MedGen C3809209, MONDO:0014138, OMIM 615348.

Submission:

Labcorp Genetics (formerly Invitae), Labcorp
Classification: Uncertain significance for Nemaline myopathy 8. Last evaluated: 2022-07-22. Review status: criteria provided, single submitter. Criteria: Invitae Variant Classification Sherloc (09022015). Collection method: clinical testing. Allele origin: germline.
Comment: In summary, the available evidence is currently insufficient to determine the role of this variant in disease. Therefore, it has been classified as a Variant of Uncertain Significance. Algorithms developed to predict the effect of missense changes on protein structure and function (SIFT, PolyPhen-2, Align-GVGD) all suggest that this variant is likely to be tolerated. This variant has not been reported in the literature in individuals affected with KLHL40-related conditions. This variant is not present in population databases (gnomAD no frequency). This sequence change replaces threonine, which is neutral and polar, with alanine, which is neutral and non-polar, at codon 219 of the KLHL40 protein (p.Thr219Ala).

NM_152393.4(KLHL40):c.655A>G (p.Thr219Ala)

Gene: KLHL40 (kelch like family member 40; plus strand). Cytogenetic location: 3p22.1.
Variant type: single nucleotide variant.
Coding change: c.655A>G on transcript NM_152393.4 (MANE Select); coding-DNA position 655, A replaced by G.
Protein change: p.Thr219Ala; replaces threonine 219 with alanine.
Molecular consequence: missense variant.
Genome position (GRCh38, 1-based): chr3:42,686,273, A>G. VCF-style: chr3-42686273-A-G. GRCh37 (hg19) VCF-style: chr3-42727765-A-G.
Other names: short protein forms T219A.
Identifiers: ClinVar variation 1713345 (VCV001713345.5), dbSNP rs2471307984, ClinGen allele CA352290304.